The following is an entry in ClinVar:

ClinVar aggregate classification (germline): Pathogenic (1 of 4 stars; one submission).

Conditions:
Developmental and epileptic encephalopathy, 37 (DEE37). Also called: Epileptic encephalopathy, early infantile, 37. Identifiers: MedGen C4310770, MONDO:0014859, OMIM 616981.

Submission:

Labcorp Genetics (formerly Invitae), Labcorp
Classification: Pathogenic for Developmental and epileptic encephalopathy, 37. Last evaluated: 2022-02-20. Review status: criteria provided, single submitter. Criteria: Invitae Variant Classification Sherloc (09022015). Collection method: clinical testing. Allele origin: germline.
Comment: For these reasons, this variant has been classified as Pathogenic. This variant has not been reported in the literature in individuals affected with FRRS1L-related conditions. The frequency data for this variant in the population databases is considered unreliable, as metrics indicate insufficient coverage at this position in the gnomAD database. This sequence change creates a premature translational stop signal (p.Ala40Glyfs*109) in the FRRS1L gene. It is expected to result in an absent or disrupted protein product. Loss-of-function variants in FRRS1L are known to be pathogenic (PMID: 27236917).

Literature cited by the submitters: PubMed 27236917.

NM_014334.4(FRRS1L):c.-35_-16del

Gene: FRRS1L (ferric chelate reductase 1 like; minus strand). Cytogenetic location: 9q31.3.
Variant type: Deletion.
Coding change: c.-35_-16del on transcript NM_014334.4 (MANE Select); 35 bases upstream of the start codon through 16 bases upstream of the start codon, 20 bases deleted (CCCGAGCGGCCTGGCTGCGG).
Molecular consequence: 5 prime UTR variant.
Genome position (GRCh38, 1-based): chr9:109,167,154-109,167,173, CCGCAGCCAGGCCGCTCGGG deleted on the plus strand (CCCGAGCGGCCTGGCTGCGG on the coding strand, the reverse complement: FRRS1L is on the minus strand); deleting any 20 consecutive bases within chr9:109,167,154-109,167,180 gives the same sequence; the c. name uses the placement nearest the transcript's 3' end. VCF-style (leftmost placement, unchanged base first): chr9-109167153-CCCGCAGCCAGGCCGCTCGGG-C. GRCh37 (hg19) VCF-style: chr9-111929433-CCCGCAGCCAGGCCGCTCGGG-C.
Identifiers: ClinVar variation 2100471 (VCV002100471.4), dbSNP rs2538516016, ClinGen allele CA2580079397.